The following is an entry in ClinVar:

ClinVar aggregate classification (germline): Likely benign (1 of 4 stars; one submission).

Submission:

CeGaT Center for Human Genetics Tuebingen
Classification: Likely benign. Last evaluated: 2025-11-01. Review status: criteria provided, single submitter. Criteria: CeGaT Center For Human Genetics Tuebingen Variant Classification Criteria Version 2. Collection method: clinical testing. Allele origin: germline. Affected: yes. Observed: 5 variant alleles.
Comment: CKAP4: PM2:Supporting, BP4, BP7

NM_006825.4(CKAP4):c.219C>G (p.Gly73=)

Gene: CKAP4 (cytoskeleton associated protein 4; minus strand). Cytogenetic location: 12q23.3.
Variant type: single nucleotide variant.
Coding change: c.219C>G on transcript NM_006825.4 (MANE Select); coding-DNA position 219, C replaced by G.
Protein change: p.Gly73=; no amino-acid change (glycine 73 retained).
Molecular consequence: synonymous variant.
Genome position (GRCh38, 1-based): chr12:106,247,633, G>C on the plus strand (C>G on the coding strand, the complement: CKAP4 is on the minus strand). VCF-style: chr12-106247633-G-C. GRCh37 (hg19) VCF-style: chr12-106641411-G-C.
Identifiers: ClinVar variation 3778326 (VCV003778326.7).